The following is an entry in ClinVar:

ClinVar aggregate classification (germline): Uncertain significance (1 of 4 stars; one submission).

Submission:

CeGaT Center for Human Genetics Tuebingen
Classification: Uncertain significance. Last evaluated: 2024-05-01. Review status: criteria provided, single submitter. Criteria: CeGaT Center For Human Genetics Tuebingen Variant Classification Criteria Version 2. Collection method: clinical testing. Allele origin: germline. Affected: yes. Observed: 1 variant allele.
Comment: CTBP1: PM2, PP2, BP4

NM_001012614.2(CTBP1):c.162+314C>G

Gene: CTBP1 (C-terminal binding protein 1; minus strand). Cytogenetic location: 4p16.3.
Variant type: single nucleotide variant.
Coding change: c.162+314C>G on transcript NM_001012614.2 (MANE Select); 314 bases into the intron after coding-DNA position 162, C replaced by G.
Molecular consequence: intron variant.
Genome position (GRCh38, 1-based): chr4:1,237,869, G>C on the plus strand (C>G on the coding strand, the complement: CTBP1 is on the minus strand). VCF-style: chr4-1237869-G-C. GRCh37 (hg19) VCF-style: chr4-1231657-G-C.
Other names: c.162+314C>G (NM_001377192.1, NM_001377189.1, NM_001377193.1 and 4 more transcripts); c.195+314C>G (NM_001328.3, NM_001377186.1).
Identifiers: ClinVar variation 3239598 (VCV003239598.19), dbSNP rs1427478239.